The following is an entry in ClinVar:

ClinVar aggregate classification (germline): Uncertain significance (1 of 4 stars; one submission).

Conditions:
Oligodontia-cancer predisposition syndrome. Also called: TOOTH AGENESIS-COLORECTAL CANCER SYNDROME. Identifiers: Orphanet 300576, MedGen C1837750, MONDO:0012075, OMIM 608615. Disease mechanism: loss of function.

gnomAD v4.1: 1 of 1,614,204 alleles (0.000062%); no homozygotes.

Submission:

Labcorp Genetics (formerly Invitae), Labcorp
Classification: Uncertain significance for Oligodontia-cancer predisposition syndrome. Last evaluated: 2022-03-14. Review status: criteria provided, single submitter. Criteria: Invitae Variant Classification Sherloc (09022015). Collection method: clinical testing. Allele origin: germline.
Comment: This variant has not been reported in the literature in individuals affected with AXIN2-related conditions. This variant is not present in population databases (gnomAD no frequency). This sequence change replaces threonine, which is neutral and polar, with isoleucine, which is neutral and non-polar, at codon 266 of the AXIN2 protein (p.Thr266Ile). Algorithms developed to predict the effect of missense changes on protein structure and function (SIFT, PolyPhen-2, Align-GVGD) all suggest that this variant is likely to be tolerated. In summary, the available evidence is currently insufficient to determine the role of this variant in disease. Therefore, it has been classified as a Variant of Uncertain Significance.

NM_004655.4(AXIN2):c.797C>T (p.Thr266Ile)

Gene: AXIN2 (axin 2; minus strand). Cytogenetic location: 17q24.1.
Variant type: single nucleotide variant.
Coding change: c.797C>T on transcript NM_004655.4 (MANE Select); coding-DNA position 797, C replaced by T.
Protein change: p.Thr266Ile; replaces threonine 266 with isoleucine.
Molecular consequence: missense variant.
Genome position (GRCh38, 1-based): chr17:65,557,824, G>A on the plus strand (C>T on the coding strand, the complement: AXIN2 is on the minus strand). VCF-style: chr17-65557824-G-A. GRCh37 (hg19) VCF-style: chr17-63553942-G-A.
Other names: c.797C>T, p.Thr266Ile (NM_001363813.1); short protein forms T266I.
Identifiers: ClinVar variation 1971593 (VCV001971593.5), dbSNP rs2544246861, ClinGen allele CA400680234.
Genomic context (GRCh38, chr17:65,557,824, plus strand): 5'-AAGTCCACAGCATCAGCCCACCCGCCCCCGTCAAAGTCTTACCTGTATCCACTGTCAACA[G>A]TTTCCGTGGACCTCACACTCGCCGTGGCCCTCAGAGTTTTGCTGGACAAGCCAACCACGG-3'
Protein context (NP_004646.3, residues 256-276): RATASVRSTE[Thr266Ile]VDSGYRSFKR